The following is an entry in ClinVar:

ClinVar aggregate classification (germline): Uncertain significance. Review status: criteria provided, multiple submitters, no conflicts (2 of 4 stars). 2 submissions from 2 submitters: Uncertain significance (2). Last evaluated 2023-06-07.

Conditions:
CACNA1A-related disorder. Also called: CACNA1A-related condition.

Allele frequency attached by ClinVar (database versions not stated): gnomAD exomes below 0.00001.
gnomAD v4.1: 2 of 1,536,758 alleles (0.00013%); highest among the groups gnomAD compares: Non-Finnish European, 0.00017%; no homozygotes.

Submissions (2):

PreventionGenetics, part of Exact Sciences
Classification: Uncertain significance for CACNA1A-related condition. Last evaluated: 2023-06-07. Review status: criteria provided, single submitter. Criteria: ACMG Guidelines, 2015. Collection method: clinical testing. Allele origin: germline.
Comment: The CACNA1A c.6592G>C variant is predicted to result in the amino acid substitution p.Glu2198Gln. To our knowledge, this variant has not been reported in the literature. This variant is reported in 0.0018% of alleles in individuals of European (Non-Finnish) descent in gnomAD. At this time, the clinical significance of this variant is uncertain due to the absence of conclusive functional and genetic evidence.

Blueprint Genetics
Classification: Uncertain significance. Last evaluated: 2022-12-21. Review status: criteria provided, single submitter. Criteria: ACMG Guidelines, 2015. Collection method: clinical testing. Allele origin: germline.

NM_001127222.2(CACNA1A):c.6592G>C (p.Glu2198Gln)

Gene: CACNA1A (calcium voltage-gated channel subunit alpha1 A; minus strand). Cytogenetic location: 19p13.13.
Variant type: single nucleotide variant.
Coding change: c.6592G>C on transcript NM_001127222.2 (MANE Select); coding-DNA position 6592, G replaced by C.
Protein change: p.Glu2198Gln; replaces glutamic acid 2198 with glutamine.
Molecular consequence: missense variant.
Genome position (GRCh38, 1-based): chr19:13,208,944, C>G on the plus strand (G>C on the coding strand, the complement: CACNA1A is on the minus strand). VCF-style: chr19-13208944-C-G. GRCh37 (hg19) VCF-style: chr19-13319758-C-G.
Other names: c.6610G>C, p.Glu2204Gln (NM_000068.4, NM_023035.3); c.6595G>C, p.Glu2199Gln (NM_001127221.2); c.6601G>C, p.Glu2201Gln (NM_001174080.2); short protein forms E2198Q, E2199Q, E2201Q, E2204Q.
Identifiers: ClinVar variation 2632455 (VCV002632455.2), dbSNP rs1168451901, ClinGen allele CA404330560.